The following is an entry in ClinVar:

ClinVar aggregate classification (germline): Uncertain significance (1 of 4 stars; one submission).

Submission:

Dasa
Classification: Uncertain significance. Last evaluated: 2025-11-13. Review status: criteria provided, single submitter. Criteria: DASA Assertion Criteria. Collection method: clinical testing. Allele origin: germline.
Comment: NM_000092.5(COL4A4):c.72-73C>T is an intronic variant. This variant is absent from population databases. The currently available literature and clinical evidence are not sufficient to establish a definitive association between this variant and the reported condition. Therefore, this variant is classified as a variant of uncertain significance.

NM_000092.5(COL4A4):c.72-73C>T

Gene: COL4A4 (collagen type IV alpha 4 chain; minus strand). Cytogenetic location: 2q36.3.
Variant type: single nucleotide variant.
Coding change: c.72-73C>T on transcript NM_000092.5 (MANE Select); 73 bases into the intron before coding-DNA position 72, C replaced by T.
Molecular consequence: intron variant.
Genome position (GRCh38, 1-based): chr2:227,144,631, G>A on the plus strand (C>T on the coding strand, the complement: COL4A4 is on the minus strand). VCF-style: chr2-227144631-G-A. GRCh37 (hg19) VCF-style: chr2-228009347-G-A.
Identifiers: ClinVar variation 4885323 (VCV004885323.2).